The following is an entry in ClinVar:

NM_058216.3(RAD51C):c.56T>A (p.Leu19Gln)

Gene: RAD51C (RAD51 paralog C; plus strand). Cytogenetic location: 17q22.
Variant type: single nucleotide variant.
Coding change: c.56T>A on transcript NM_058216.3 (MANE Select); coding-DNA position 56, T replaced by A.
Protein change: p.Leu19Gln; replaces leucine 19 with glutamine.
Molecular consequence: missense variant. On other transcripts: non-coding transcript variant (1).
Genome position (GRCh38, 1-based): chr17:58,692,699, T>A. VCF-style: chr17-58692699-T-A. GRCh37 (hg19) VCF-style: chr17-56770060-T-A.
Other names: c.56T>A, p.Leu19Gln (NM_002876.4, NM_058217.1); short protein forms L19Q.
Identifiers: ClinVar variation 2133889 (VCV002133889.4), dbSNP rs1598448973, ClinGen allele CA400336719.
Genomic context (GRCh38, chr17:58,692,699, plus strand): 5'-CTGCGATGCGCGGGAAGACGTTCCGCTTTGAAATGCAGCGGGATTTGGTGAGTTTCCCGC[T>A]GTCTCCAGCGGTGCGGGTGAAGCTGGTGTCTGCGGGGTTCCAGACTGCTGAGGAACTCCT-3'
Protein context (NP_478123.1, residues 9-29): EMQRDLVSFP[Leu19Gln]SPAVRVKLVS

ClinVar aggregate classification (germline): Uncertain significance (1 of 4 stars; one submission).

Conditions:
Fanconi anemia complementation group O. Also called: RAD51C-Related Fanconi Anemia. Identifiers: Orphanet 84, MedGen C3150653, MONDO:0013248, OMIM 613390.

Submission:

Labcorp Genetics (formerly Invitae), Labcorp
Classification: Uncertain significance for Fanconi anemia complementation group O. Last evaluated: 2022-09-09. Review status: criteria provided, single submitter. Criteria: Invitae Variant Classification Sherloc (09022015). Collection method: clinical testing. Allele origin: germline.
Comment: This variant has not been reported in the literature in individuals affected with RAD51C-related conditions. This sequence change replaces leucine, which is neutral and non-polar, with glutamine, which is neutral and polar, at codon 19 of the RAD51C protein (p.Leu19Gln). This variant is not present in population databases (gnomAD no frequency). Advanced modeling of protein sequence and biophysical properties (such as structural, functional, and spatial information, amino acid conservation, physicochemical variation, residue mobility, and thermodynamic stability) performed at Invitae indicates that this missense variant is expected to disrupt RAD51C protein function. In summary, the available evidence is currently insufficient to determine the role of this variant in disease. Therefore, it has been classified as a Variant of Uncertain Significance.